The following continues an entry in ClinVar:

NM_000053.4(ATP7B):c.4135C>T (p.Pro1379Ser)

Gene: ATP7B. ClinVar aggregate classification (germline): Conflicting classifications of pathogenicity. Uncertain significance (17); Likely benign (3).

Submissions 10 to 21 of 21:

Revvity Omics, Revvity
Classification: Uncertain significance for Wilson disease. Last evaluated: 2024-02-01. Review status: criteria provided, single submitter. Criteria: ACMG Guidelines, 2015. Collection method: clinical testing. Allele origin: germline.

Laboratorio de Genetica e Diagnostico Molecular, Hospital Israelita Albert Einstein
Classification: Uncertain significance. Last evaluated: 2021-11-23. Review status: criteria provided, single submitter. Criteria: ACMG Guidelines, 2015. Collection method: clinical testing. Allele origin: germline. Affected: yes.
Comment: ACMG classification criteria: PM2, PP3

Genome-Nilou Lab
Classification: Uncertain significance for Wilson disease. Last evaluated: 2021-08-10. Review status: criteria provided, single submitter. Criteria: ACMG Guidelines, 2015. Collection method: clinical testing. Allele origin: germline. Affected: no.

Mayo Clinic Laboratories, Mayo Clinic
Classification: Uncertain significance. Last evaluated: 2019-10-08. Review status: criteria provided, single submitter. Criteria: ACMG Guidelines, 2015. Collection method: clinical testing. Allele origin: germline. Observed: 2 variant alleles.

Mendelics
Classification: Uncertain significance for Wilson disease. Last evaluated: 2019-05-28. Review status: criteria provided, single submitter. Criteria: Mendelics Assertion Criteria 2017. Collection method: clinical testing. Allele origin: unknown.

Fulgent Genetics
Classification: Uncertain significance for Wilson disease. Last evaluated: 2018-10-31. Review status: criteria provided, single submitter. Criteria: ACMG Guidelines, 2015. Collection method: clinical testing. Allele origin: unknown.

Illumina Laboratory Services, Illumina
Classification: Uncertain significance for Wilson disease. Last evaluated: 2018-02-20. Review status: criteria provided, single submitter. Criteria: ICSL Variant Classification Criteria 13 December 2019. Collection method: clinical testing. Allele origin: germline.
Comment: This variant was observed as part of a predisposition screen in an ostensibly healthy population. A literature search was performed for the gene, cDNA change, and amino acid change (where applicable). Publications were found based on this search. However, the evidence from the literature, in combination with allele frequency data from public databases where available, was not sufficient to rule this variant in or out of causing disease. Therefore, this variant is classified as a variant of unknown significance.

Eurofins Ntd Llc (ga)
Classification: Uncertain significance. Last evaluated: 2017-05-17. Review status: criteria provided, single submitter. Criteria: EGL Classification Definitions 2015. Collection method: clinical testing. Allele origin: germline. Observed: 5 variant alleles, 5 heterozygotes.

CENTOGENE GmbH and LLC - Guiding Precision Medicine
Classification: Uncertain significance for Wilson disease. Last evaluated: 2017-03-24. Review status: criteria provided, single submitter. Criteria: ACMG Guidelines, 2015. Collection method: clinical testing. Allele origin: germline.

Genetic Services Laboratory, University of Chicago
Classification: Uncertain significance. Last evaluated: 2017-03-23. Review status: criteria provided, single submitter. Criteria: ACMG Guidelines, 2015. Collection method: clinical testing. Allele origin: germline. Affected: no.

Ambry Genetics
Classification: Uncertain significance for Inborn genetic diseases. Last evaluated: 2017-02-01. Review status: criteria provided, single submitter. Criteria: Ambry Variant Classification Scheme 2023. Collection method: clinical testing. Allele origin: germline.
Comment: The p.P1379S variant (also known as c.4135C>T), located in coding exon 21 of the ATP7B gene, results from a C to T substitution at nucleotide position 4135. The proline at codon 1379 is replaced by serine, an amino acid with similar properties. A functional assay, using an hepatoma-derived hybrid cell line (WIF-B), showed that P1379S resulted in no dramatic defect in copper transport, protein stability, or copper-responsive trafficking when compared to wild-type (Braiterman L et al. Am. J. Physiol. Gastrointest. Liver Physiol., 2011 Jul;301:G69-81). This amino acid position is highly conserved in available vertebrate species. In addition, this alteration is predicted to be deleterious by in silico analysis. Since supporting evidence is limited at this time, the clinical significance of this alteration remains unclear.

Natera, Inc.
Classification: Benign for Wilson disease. Last evaluated: 2020-10-08. Review status: no assertion criteria provided. Collection method: clinical testing. Allele origin: germline. Not counted in ClinVar's aggregate classification.

Literature cited by the submitters: PubMed 16088907 (cited by 5 submitters); PubMed 14962673 (cited by 5 submitters); PubMed 21454443 (cited by 5 submitters); PubMed 23430806 (cited by 5 submitters); PubMed 16472602 (cited by Women's Health and Genetics/Laboratory Corporation of America, LabCorp); PubMed 17680703 (cited by Women's Health and Genetics/Laboratory Corporation of America, LabCorp); PubMed 24253677 (cited by Women's Health and Genetics/Laboratory Corporation of America, LabCorp); PubMed 30097039 (cited by Women's Health and Genetics/Laboratory Corporation of America, LabCorp); PubMed 30842500 (cited by Women's Health and Genetics/Laboratory Corporation of America, LabCorp); PubMed 31751128 (cited by Women's Health and Genetics/Laboratory Corporation of America, LabCorp); PubMed 32248359 (cited by Women's Health and Genetics/Laboratory Corporation of America, LabCorp); PubMed 32685348 (cited by 3 submitters).